The following is an entry in ClinVar:

NM_000057.4(BLM):c.2134G>A (p.Val712Ile)

Gene: BLM (BLM RecQ like helicase; plus strand). Cytogenetic location: 15q26.1.
Variant type: single nucleotide variant.
Coding change: c.2134G>A on transcript NM_000057.4 (MANE Select); coding-DNA position 2134, G replaced by A.
Protein change: p.Val712Ile; replaces valine 712 with isoleucine.
Molecular consequence: missense variant.
Genome position (GRCh38, 1-based): chr15:90,765,355, G>A. VCF-style: chr15-90765355-G-A. GRCh37 (hg19) VCF-style: chr15-91308585-G-A.
Other names: c.2134G>A, p.Val712Ile (NM_001287246.2, NM_001287247.2); c.1009G>A, p.Val337Ile (NM_001287248.2); short protein forms V337I, V712I.
Identifiers: ClinVar variation 5032909 (VCV005032909.1).

ClinVar aggregate classification (germline): Uncertain significance (1 of 4 stars; one submission).

Conditions:
Hereditary cancer-predisposing syndrome. Also called: Neoplastic Syndromes, Hereditary; Tumor predisposition; Hereditary neoplastic syndrome; Hereditary Cancer Syndrome. Identifiers: Orphanet 140162, MedGen C0027672, MeSH D009386, MONDO:0015356.

Submission:

Ambry Genetics
Classification: Uncertain significance for Hereditary cancer-predisposing syndrome. Last evaluated: 2026-07-13. Review status: criteria provided, single submitter. Criteria: Ambry Variant Classification Scheme 2023. Collection method: clinical testing. Allele origin: germline.
Comment: The p.V712I variant (also known as c.2134G>A), located in coding exon 8 of the BLM gene, results from a G to A substitution at nucleotide position 2134. The valine at codon 712 is replaced by isoleucine, an amino acid with highly similar properties. This amino acid position is conserved. In addition, the in silico prediction for this alteration is inconclusive. Based on the available evidence, the clinical significance of this variant remains unclear.